The following is an entry in ClinVar:

NM_198576.4(AGRN):c.2662C>T (p.Pro888Ser)

Gene: AGRN (agrin; plus strand). Cytogenetic location: 1p36.33.
Variant type: single nucleotide variant.
Coding change: c.2662C>T on transcript NM_198576.4 (MANE Select); coding-DNA position 2662, C replaced by T.
Protein change: p.Pro888Ser; replaces proline 888 with serine.
Molecular consequence: missense variant.
Genome position (GRCh38, 1-based): chr1:1,045,858, C>T. VCF-style: chr1-1045858-C-T. GRCh37 (hg19) VCF-style: chr1-981238-C-T.
Other names: c.2662C>T, p.Pro888Ser (NM_001305275.2); c.2347C>T, p.Pro783Ser (NM_001364727.2); short protein forms P888S, P783S.
Identifiers: ClinVar variation 936475 (VCV000936475.8), dbSNP rs560184470, ClinGen allele CA508732.
Genomic context (GRCh38, chr1:1,045,858, plus strand): 5'-TGTAAGCCCGGGGTGGCTGGACCCAAGTGTGGGCAGTGTCCAGACGGCCGTGCCCTGGGC[C>T]CCGCGGGCTGTGAAGCTGGTGAGTGAGGGCCAGCGCTACCCTGGGGCTTCATGGGGTGGG-3'
Protein context (NP_940978.2, residues 878-898): GQCPDGRALG[Pro888Ser]AGCEADASAP

ClinVar aggregate classification (germline): Uncertain significance (1 of 4 stars; one submission).

Conditions:
Congenital myasthenic syndrome 8. Also called: MYASTHENIC SYNDROME, CONGENITAL, DUE TO AGRIN DEFICIENCY; Myasthenic syndrome, congenital, 8, with pre- and postsynaptic defects. Identifiers: Orphanet 590, MedGen C3808739, MONDO:0014052, OMIM 615120.

Allele frequency attached by ClinVar (database versions not stated): gnomAD 0.00001; gnomAD exomes 0.00003 and 0.00006; TOPMed 0.00005; ExAC 0.00006; 1000 Genomes Project 0.00020; 1000 Genomes Project 30x 0.00031.
gnomAD v4.1: 17 of 1,611,166 alleles (0.0011%); highest among the groups gnomAD compares: Admixed American, 0.027%; no homozygotes.

Submission:

Labcorp Genetics (formerly Invitae), Labcorp
Classification: Uncertain significance for Congenital myasthenic syndrome 8. Last evaluated: 2022-06-04. Review status: criteria provided, single submitter. Criteria: Invitae Variant Classification Sherloc (09022015). Collection method: clinical testing. Allele origin: germline.
Comment: In summary, the available evidence is currently insufficient to determine the role of this variant in disease. Therefore, it has been classified as a Variant of Uncertain Significance. Algorithms developed to predict the effect of missense changes on protein structure and function output the following: SIFT: "Tolerated"; PolyPhen-2: "Possibly Damaging"; Align-GVGD: "Class C0". The serine amino acid residue is found in multiple mammalian species, which suggests that this missense change does not adversely affect protein function. ClinVar contains an entry for this variant (Variation ID: 936475). This variant has not been reported in the literature in individuals affected with AGRN-related conditions. This variant is present in population databases (rs560184470, gnomAD 0.05%). This sequence change replaces proline, which is neutral and non-polar, with serine, which is neutral and polar, at codon 888 of the AGRN protein (p.Pro888Ser).